The following is an entry in ClinVar:

ClinVar aggregate classification (germline): Pathogenic/Likely pathogenic. Review status: criteria provided, multiple submitters, no conflicts (2 of 4 stars). 22 submissions from 22 submitters: Pathogenic (13); Likely pathogenic (4). 5 of the submissions do not count toward it. Last evaluated 2026-09-21.

Conditions:
Carcinoma of colon (CRC). Also called: Colonic carcinoma; Colon carcinoma. Identifiers: MedGen C0699790, MONDO:0002032.
Familial cancer of breast. Also called: hereditary breast carcinoma; BREAST CANCER, FAMILIAL; Hereditary breast cancer. Identifiers: Orphanet 227535, MedGen C0346153, MONDO:0016419, OMIM 114480. Disease mechanism: loss of function.
PMS2-related disorder. Also called: PMS2-related condition.
Hereditary nonpolyposis colorectal neoplasms. Identifiers: MedGen C0009405, MeSH D003123.
Inherited MMR deficiency (Lynch syndrome).
Lynch syndrome 4 (LYNCH4). Also called: Hereditary non-polyposis colorectal cancer, type 4; Colorectal cancer, hereditary nonpolyposis, type 4. Identifiers: Orphanet 144, MedGen C1838333, MONDO:0013699, OMIM 614337. Disease mechanism: loss of function.
Mismatch repair cancer syndrome 4. Identifiers: MedGen C5436817, MONDO:0030843, OMIM 619101.
Hereditary nonpolyposis colon cancer (HNPCC). Also called: Hereditary nonpolyposis colorectal cancer; Familial nonpolyposis colon cancer; Hereditary Nonpolyposis Colorectal Cancer Syndrome. Identifiers: Orphanet 443909, MedGen C1333990, MONDO:0018630. Disease mechanism: loss of function.
Hereditary cancer-predisposing syndrome. Also called: Hereditary Cancer Syndrome; Tumor predisposition; Neoplastic Syndromes, Hereditary; Hereditary neoplastic syndrome. Identifiers: Orphanet 140162, MedGen C0027672, MeSH D009386, MONDO:0015356.
Lynch syndrome. Identifiers: Orphanet 144, MedGen C4552100, MONDO:0005835. Disease mechanism: loss of function.

Allele frequency attached by ClinVar (database versions not stated): gnomAD exomes 0.00001.
gnomAD v4.1: 20 of 1,544,604 alleles (0.0013%); highest among the groups gnomAD compares: Non-Finnish European, 0.0017%; 1 homozygote.

Submissions 1 to 8 of 22:

Genetics Laboratory, Great Ormond Street Hospital NHS Foundation Trust, North Thames Genomic Laboratory Hub
Classification: Pathogenic for Inherited MMR deficiency (Lynch syndrome). Last evaluated: 2026-09-21. Review status: criteria provided, single submitter. Criteria: CanVIG MMR Gene Specific V1.7. Collection method: clinical testing. Allele origin: germline. Affected: yes.
Comment: PVS1_very-strong, PP4_strong

PreventionGenetics, part of Exact Sciences
Classification: Pathogenic for PMS2-related condition. Last evaluated: 2026-02-06. Review status: criteria provided, single submitter. Criteria: ACMG Guidelines, 2015. Collection method: clinical testing. Allele origin: germline.
Comment: The PMS2 c.2445+1G>T variant is predicted to disrupt the GT donor site and interfere with normal splicing. This variant has been reported in individuals with colorectal cancer or with a Lynch syndrome diagnosis (Niessen et al. 2009. PubMed ID: 19132747, Table 1; Vaughn et al. 2010. PubMed ID: 20205264, Table 2; ten Broeke et al. 2014. PubMed ID: 25512458; Table S1, Suerink et al. 2015. PubMed ID: 26110232). In vitro functional studies indicate that this variant leads to aberrant splicing (van der Klift et al. 2015. PubMed ID: 26247049; Tables 1 to 3). This variant has not been reported in a large population database (gnomAD), indicating this variant is rare. This variant is interpreted as likely pathogenic/pathogenic in ClinVar (Variation ID: 234604). Variants that disrupt the consensus splice donor site in PMS2 are expected to be pathogenic. This variant is interpreted as pathogenic.

GeneDx
Classification: Pathogenic. Last evaluated: 2025-08-28. Review status: criteria provided, single submitter. Criteria: GeneDx Variant Classification Process June 2021. Collection method: clinical testing. Allele origin: germline. Affected: yes.
Comment: Canonical splice site variant predicted to result in a null allele in a gene for which loss of function is a known mechanism of disease (PMID: 26247049); Not observed at significant frequency in large population cohorts (gnomAD); This variant is associated with the following publications: (PMID: 20205264, 25525159, 19132747, 27435373, 26110232, 23012243, 25512458, 24362816, 28702897, 30787465, 33087929, 21376568, 16338176, 10037723, 28218421, 26116798, 20533529, 35263119, 38344144, 26247049)

Labcorp Genetics (formerly Invitae), Labcorp
Classification: Pathogenic for Hereditary nonpolyposis colorectal neoplasms. Last evaluated: 2025-05-06. Review status: criteria provided, single submitter. Criteria: Invitae Variant Classification Sherloc (09022015). Collection method: clinical testing. Allele origin: germline.
Comment: This sequence change affects a donor splice site in intron 14 of the PMS2 gene. RNA analysis indicates that disruption of this splice site induces altered splicing and may result in an absent or altered protein product. The frequency data for this variant in the population databases (gnomAD) is considered unreliable due to the presence of homologous sequence, such as pseudogenes or paralogs, in the genome. Disruption of this splice site has been observed in individual(s) with clinical features of Lynch syndrome (PMID: 19132747, 20205264, 23012243, 25512458, 26110232). Invitae Evidence Modeling of clinical and family history, age, sex, and reported ancestry of multiple individuals with this PMS2 variant has been performed. This variant is expected to be pathogenic with a positive predictive value of at least 99%. This is a validated machine learning model that incorporates the clinical features of 1,627,235 individuals referred to our laboratory for PMS2 testing. ClinVar contains an entry for this variant (Variation ID: 234604). Variants that disrupt the consensus splice site are a relatively common cause of aberrant splicing (PMID: 17576681, 9536098). Studies have shown that disruption of this splice site results in activation of a cryptic splice site, and produces a non-functional protein and/or introduces a premature termination codon (PMID: 26247049; internal data). For these reasons, this variant has been classified as Pathogenic.

Color Diagnostics, LLC DBA Color Health
Classification: Likely pathogenic for Hereditary cancer-predisposing syndrome. Last evaluated: 2025-04-28. Review status: criteria provided, single submitter. Criteria: ACMG Guidelines, 2015. Collection method: clinical testing. Allele origin: germline.
Comment: This variant results in a single nucleotide substitution at +1 position in intron 14 of the PMS2 gene. RNA studies using lymphocytes from a carrier individual and a minigene assay have demonstrated the presence of an aberrant transcript with a deletion of exon 14 leading to premature protein truncation (PMID: 26247049). This variant has also been identified in individuals with urothelial cancer (PMID: 37534630) and ovarian cancer (PMID: 35263119). This variant has not been identified in the general population by the Genome Aggregation Database (gnomAD). Loss of PMS2 function is a known mechanism of disease. Based on the available evidence, this variant is classified as Likely Pathogenic.

Ambry Genetics
Classification: Pathogenic for Hereditary cancer-predisposing syndrome. Last evaluated: 2024-10-09. Review status: criteria provided, single submitter. Criteria: Ambry Variant Classification Scheme 2023. Collection method: clinical testing. Allele origin: germline.
Comment: The c.2445+1G>T intronic pathogenic mutation results from a G to T substitution one nucleotide after coding exon 14 of the PMS2 gene. This alteration occurs at the 3' terminus of the PMS2 gene, is not expected to trigger nonsense-mediated mRNA decay, and only impacts the last 12% of the protein. The exact functional effect of this alteration is unknown; however, a significant portion of the protein is affected, and the impacted region is critical for protein function (Ambry internal data). RNA studies for c.2445+1G>T demonstrated the presence of an aberrant transcript leading to premature protein truncation; however, levels of full-length/normal transcript were not assessed (van der Klift H et al. Mol. Genet. Genomic Med. 2015 Jul;3(4):327-45). This variant is considered to be rare based on population cohorts in the Genome Aggregation Database (gnomAD). This nucleotide position is highly conserved in available vertebrate species. In silico splice site analysis predicts that this alteration will weaken the native splice donor site. Based on the supporting evidence, this variant is interpreted as a disease-causing mutation.

Revvity Omics, Revvity
Classification: Pathogenic. Last evaluated: 2024-01-31. Review status: criteria provided, single submitter. Criteria: ACMG Guidelines, 2015. Collection method: clinical testing. Allele origin: germline.

Myriad Genetics, Inc.
Classification: Likely pathogenic for Lynch syndrome 4. Last evaluated: 2023-09-25. Review status: criteria provided, single submitter. Criteria: Myriad Autosomal Dominant, Autosomal Recessive and X-Linked Classification Criteria (2023). Collection method: clinical testing. Allele origin: unknown.
Comment: This variant is considered likely pathogenic. This variant occurs within a consensus splice junction and is predicted to result in abnormal mRNA splicing of either an out-of-frame exon or an in-frame exon necessary for protein stability and/or normal function.

NM_000535.7(PMS2):c.2445+1G>T

Gene: PMS2 (PMS1 homolog 2, mismatch repair system component; minus strand). Cytogenetic location: 7p22.1.
Variant type: single nucleotide variant.
Coding change: c.2445+1G>T on transcript NM_000535.7 (MANE Select); the canonical splice donor site of the intron after coding-DNA position 2445, G replaced by T.
Molecular consequence: splice donor variant.
Genome position (GRCh38, 1-based): chr7:5,977,587, C>A on the plus strand (G>T on the coding strand, the complement: PMS2 is on the minus strand). VCF-style: chr7-5977587-C-A. GRCh37 (hg19) VCF-style: chr7-6017218-C-A.
Other names: c.2127+1G>T (NM_001322008.2, NM_001406883.1, NM_001322007.2); c.2136+1G>T (NM_001406881.1, NM_001406879.1, NM_001322015.2 and 4 more transcripts); c.2040+1G>T (NM_001406895.1, NM_001322004.2, NM_001406889.1 and 11 more transcripts); c.1674+1G>T (NM_001406911.1); c.1884+1G>T (NM_001322010.2, NM_001406906.1, NM_001406907.1); c.1971+1G>T (NM_001406902.1, NM_001406901.1); c.1932+1G>T (NM_001406904.1, NM_001406905.1); c.1872+1G>T (NM_001322013.2, NM_001406908.1, NM_001406909.1); and 20 more.
Identifiers: ClinVar variation 234604 (VCV000234604.89), dbSNP rs876661113, ClinGen allele CA10577331.